The following is an entry in ClinVar:

ClinVar aggregate classification (germline): Uncertain significance. Review status: criteria provided, multiple submitters, no conflicts (2 of 4 stars). 4 submissions from 4 submitters: Uncertain significance (4). Last evaluated 2024-06-17.

Conditions:
Hereditary cancer-predisposing syndrome. Also called: Hereditary neoplastic syndrome; Tumor predisposition; Neoplastic Syndromes, Hereditary; Hereditary Cancer Syndrome. Identifiers: Orphanet 140162, MedGen C0027672, MeSH D009386, MONDO:0015356.
Hereditary nonpolyposis colorectal neoplasms. Identifiers: MedGen C0009405, MeSH D003123.
Mismatch repair cancer syndrome 3. Identifiers: MedGen C5436807, MONDO:0030841, OMIM 619097.
Endometrial carcinoma. Also called: Endometrial carcinoma, somatic. Identifiers: MedGen C0476089, MONDO:0002447, OMIM 608089, HP:0012114.
Lynch syndrome 5 (LYNCH5). Also called: Hereditary non-polyposis colorectal cancer, type 5; Colorectal cancer, hereditary nonpolyposis, type 5. Identifiers: Orphanet 144, MedGen C1833477, MONDO:0013710, OMIM 614350. Disease mechanism: loss of function.

Submissions (4):

Fulgent Genetics
Classification: Uncertain significance for Endometrial carcinoma; Lynch syndrome 5; Mismatch repair cancer syndrome 3. Last evaluated: 2024-06-17. Review status: criteria provided, single submitter. Criteria: ACMG Guidelines, 2015. Collection method: clinical testing. Allele origin: germline.

Labcorp Genetics (formerly Invitae), Labcorp
Classification: Uncertain significance for Hereditary nonpolyposis colorectal neoplasms. Last evaluated: 2023-10-09. Review status: criteria provided, single submitter. Criteria: Invitae Variant Classification Sherloc (09022015). Collection method: clinical testing. Allele origin: germline.
Comment: This sequence change replaces threonine, which is neutral and polar, with alanine, which is neutral and non-polar, at codon 1102 of the MSH6 protein (p.Thr1102Ala). This variant is not present in population databases (gnomAD no frequency). This variant has not been reported in the literature in individuals affected with MSH6-related conditions. ClinVar contains an entry for this variant (Variation ID: 418330). Advanced modeling of protein sequence and biophysical properties (such as structural, functional, and spatial information, amino acid conservation, physicochemical variation, residue mobility, and thermodynamic stability) performed at Invitae indicates that this missense variant is not expected to disrupt MSH6 protein function. In summary, the available evidence is currently insufficient to determine the role of this variant in disease. Therefore, it has been classified as a Variant of Uncertain Significance.

Ambry Genetics
Classification: Uncertain significance for Hereditary cancer-predisposing syndrome. Last evaluated: 2023-08-24. Review status: criteria provided, single submitter. Criteria: Ambry Variant Classification Scheme 2023. Collection method: clinical testing. Allele origin: germline.
Comment: The p.T1102A variant (also known as c.3304A>G), located in coding exon 5 of the MSH6 gene, results from an A to G substitution at nucleotide position 3304. The threonine at codon 1102 is replaced by alanine, an amino acid with similar properties. This amino acid position is well conserved in available vertebrate species. In addition, this alteration is predicted to be deleterious by in silico analysis. Since supporting evidence is limited at this time, the clinical significance of this alteration remains unclear.

GeneDx
Classification: Uncertain significance. Last evaluated: 2022-04-19. Review status: criteria provided, single submitter. Criteria: GeneDx Variant Classification Process June 2021. Collection method: clinical testing. Allele origin: germline. Affected: yes.
Comment: Not observed in large population cohorts (gnomAD); In silico analysis supports that this missense variant has a deleterious effect on protein structure/function; Has not been previously published as pathogenic or benign to our knowledge; This variant is associated with the following publications: (PMID: 17531815, 21120944)

NM_000179.3(MSH6):c.3304A>G (p.Thr1102Ala)

Gene: MSH6 (mutS homolog 6; plus strand). Cytogenetic location: 2p16.3.
Variant type: single nucleotide variant.
Coding change: c.3304A>G on transcript NM_000179.3 (MANE Select); coding-DNA position 3304, A replaced by G.
Protein change: p.Thr1102Ala; replaces threonine 1102 with alanine.
Molecular consequence: missense variant.
Genome position (GRCh38, 1-based): chr2:47,803,551, A>G. VCF-style: chr2-47803551-A-G. GRCh37 (hg19) VCF-style: chr2-48030690-A-G.
Other names: c.2914A>G, p.Thr972Ala (NM_001281492.2); c.2398A>G, p.Thr800Ala (NM_001281493.2, NM_001281494.2); short protein forms T1102A, T800A, T972A.
Identifiers: ClinVar variation 418330 (VCV000418330.16), dbSNP rs758782048, ClinGen allele CA16617697.
Genomic context (GRCh38, chr2:47,803,551, plus strand): 5'-CCGGAAGATACCCCCCCCTTCTTAGAGCTTAAAGGATCACGCCATCCTTGCATTACGAAG[A>G]CTTTTTTTGGAGATGATTTTATTCCTAATGACATTCTAATAGGCTGTGAGGAAGAGGAGC-3'
Protein context (NP_000170.1, residues 1092-1112): KGSRHPCITK[Thr1102Ala]FFGDDFIPND